The following is an entry in ClinVar:

NM_152703.5(SAMD9L):c.1927G>A (p.Val643Ile)

Gene: SAMD9L (sterile alpha motif domain containing 9 like; minus strand). Cytogenetic location: 7q21.2.
Variant type: single nucleotide variant.
Coding change: c.1927G>A on transcript NM_152703.5 (MANE Select); coding-DNA position 1927, G replaced by A.
Protein change: p.Val643Ile; replaces valine 643 with isoleucine.
Molecular consequence: missense variant.
Genome position (GRCh38, 1-based): chr7:93,134,045, C>T on the plus strand (G>A on the coding strand, the complement: SAMD9L is on the minus strand). VCF-style: chr7-93134045-C-T. GRCh37 (hg19) VCF-style: chr7-92763358-C-T.
Other names: c.1927G>A, p.Val643Ile (NM_001303496.3, NM_001303497.3, NM_001303498.3 and 5 more transcripts); short protein forms V643I.
Identifiers: ClinVar variation 4630061 (VCV004630061.1).
Genomic context (GRCh38, chr7:93,134,045, plus strand): 5'-CATTTTCACAGAGGATTTCCAGTGCAGTCAAGACATCCTCTTTCTTTTTCTCTAGGATAA[C>T]TGAAGAAGATCCACGGGCGGGCAAAAACCTTCTTGATGACCGAGTCACCGATTTTAGTTT-3'
Protein context (NP_689916.2, residues 633-653): RFLPARGSSS[Val643Ile]ILEKKKEDVL

ClinVar aggregate classification (germline): Uncertain significance (1 of 4 stars; one submission).

Conditions:
Inborn genetic diseases. Identifiers: MedGen C0950123, MeSH D030342.

gnomAD v4.1: 1 of 1,613,840 alleles (0.000062%); highest among the groups gnomAD compares: African/African-American, 0.0013%; no homozygotes.

Submission:

Ambry Genetics
Classification: Uncertain significance for Inborn genetic diseases. Last evaluated: 2025-10-15. Review status: criteria provided, single submitter. Criteria: Ambry Variant Classification Scheme 2023. Collection method: clinical testing. Allele origin: germline.
Comment: The p.V643I variant (also known as c.1927G>A), located in coding exon 1 of the SAMD9L gene, results from a G to A substitution at nucleotide position 1927. The valine at codon 643 is replaced by isoleucine, an amino acid with highly similar properties. This amino acid position is conserved. In addition, this alteration is predicted to be tolerated by in silico analysis. Based on the available evidence, the clinical significance of this variant remains unclear.